The following is an entry in ClinVar:

NM_004360.5(CDH1):c.1009-32G>A

Gene: CDH1 (cadherin 1; plus strand). Cytogenetic location: 16q22.1.
Variant type: single nucleotide variant.
Coding change: c.1009-32G>A on transcript NM_004360.5 (MANE Select); 32 bases into the intron before coding-DNA position 1009, G replaced by A.
Molecular consequence: intron variant.
Genome position (GRCh38, 1-based): chr16:68,812,103, G>A. VCF-style: chr16-68812103-G-A. GRCh37 (hg19) VCF-style: chr16-68846006-G-A.
Other names: c.-607-32G>A (NM_001317185.2); c.-811-32G>A (NM_001317186.2); c.1009-32G>A (NM_001317184.2).
Identifiers: ClinVar variation 2502934 (VCV002502934.2), dbSNP rs757461540, ClinGen allele CA8129979.

ClinVar aggregate classification (germline): Conflicting classifications of pathogenicity. Review status: criteria provided, conflicting classifications (1 of 4 stars). 2 submissions from 2 submitters: Uncertain significance (1); Benign (1). Last evaluated 2025-07-15.

Conditions:
Hereditary diffuse gastric adenocarcinoma (HDGC). Also called: DIFFUSE GASTRIC AND LOBULAR BREAST CANCER SYNDROME. Identifiers: Orphanet 26106, MedGen C1708349, MONDO:0007648, OMIM 137215.

Allele frequency attached by ClinVar (database versions not stated): ExAC 0.00001; gnomAD exomes 0.00001.
gnomAD v4.1: 9 of 1,613,906 alleles (0.00056%); highest among the groups gnomAD compares: Admixed American, 0.0083%; no homozygotes.

Submissions (2):

Dipartimento Di Medicina Di Precisione, Università Degli Studi Della Campania Luigi Vanvitelli
Classification: Benign for Hereditary diffuse gastric adenocarcinoma. Last evaluated: 2025-07-15. Review status: criteria provided, single submitter. Criteria: ACMG Guidelines, 2015. Collection method: clinical testing. Allele origin: germline. Affected: yes. Observed: 1 heterozygote.
Comment: The intronic variant NM_004360.5(CDH1):c.1009-32G>A is located in intron 7, 32 nucleotides upstream of exon 8 of the CDH1 gene. This variant lies outside the canonical splice site regions (±1–2 bp from exon-intron boundaries), and is therefore unlikely to affect normal splicing. In silico predictions using splicing algorithms (e.g., SpliceAI, MaxEntScan) do not indicate a significant impact on splicing regulatory elements or the creation of a cryptic splice site. No functional or clinical evidence is currently available to support a pathogenic role for this variant. Based on available data and ACMG/AMP criteria, this variant is currently classified as a variant of uncertain significance (VUS), with a likely benign interpretation.

European Reference Network on Genetic Tumour Risk Syndromes (ERN-GENTURIS), i3s - Instituto de Investigação e Inovação em Saúde, University of Porto
Classification: Uncertain significance for Hereditary diffuse gastric adenocarcinoma. Last evaluated: 2022-08-01. Review status: criteria provided, single submitter. Criteria: Lee et al. (Hum Mutat. 2018). Collection method: clinical testing. Allele origin: germline. Inheritance: Autosomal dominant inheritance. Affected: no. Study: ERN GENTURIS.
Comment: Not applicable criteria (PMID: 30311375)

Literature cited by the submitters: DOI 10.3390/ijms26135928 (cited by Dipartimento Di Medicina Di Precisione, Università Degli Studi Della Campania Luigi Vanvitelli); PubMed 36436516 (cited by European Reference Network on Genetic Tumour Risk Syndromes (ERN-GENTURIS), i3s - Instituto de Investigação e Inovação em Saúde, University of Porto).